The following is an entry in ClinVar:

NM_000059.4(BRCA2):c.4315G>A (p.Ala1439Thr)

Gene: BRCA2 (BRCA2 DNA repair associated; plus strand). Cytogenetic location: 13q13.1.
Variant type: single nucleotide variant.
Coding change: c.4315G>A on transcript NM_000059.4 (MANE Select); coding-DNA position 4315, G replaced by A.
Protein change: p.Ala1439Thr; replaces alanine 1439 with threonine.
Molecular consequence: missense variant.
Genome position (GRCh38, 1-based): chr13:32,338,670, G>A. VCF-style: chr13-32338670-G-A. GRCh37 (hg19) VCF-style: chr13-32912807-G-A.
Other names: short protein forms A1439T.
Identifiers: ClinVar variation 51630 (VCV000051630.72), dbSNP rs80358666, ClinGen allele CA019960.
Genomic context (GRCh38, chr13:32,338,670, plus strand): 5'-AAAGATTTTGAGACTTCTGATACATTTTTTCAGACTGCAAGTGGGAAAAATATTAGTGTC[G>A]CCAAAGAGTCATTTAATAAAATTGTAAATTTCTTTGATCAGAAACCAGAAGAATTGCATA-3'
Protein context (NP_000050.3, residues 1429-1449): QTASGKNISV[Ala1439Thr]KESFNKIVNF

ClinVar aggregate classification (germline): Conflicting classifications of pathogenicity. Review status: criteria provided, conflicting classifications (1 of 4 stars). 13 submissions from 13 submitters: Uncertain significance (7); Likely benign (4). 2 of the submissions do not count toward it. Last evaluated 2026-01-25.

Conditions:
BRCA2-related cancer predisposition. Identifiers: MedGen CN377758, MONDO:0700269.
Hereditary cancer-predisposing syndrome. Also called: Hereditary Cancer Syndrome; Tumor predisposition; Neoplastic Syndromes, Hereditary; Hereditary neoplastic syndrome. Identifiers: Orphanet 140162, MedGen C0027672, MeSH D009386, MONDO:0015356.
Hereditary breast ovarian cancer syndrome. Also called: Breast and ovarian cancer; BRCA1- and BRCA2-Associated Hereditary Breast and Ovarian Cancer; Hereditary breast and ovarian cancer; Hereditary breast and ovarian cancer syndrome (HBOC); Hereditary breast and ovarian cancer syndrome; Hereditary breast and/or ovarian cancer syndrome. Identifiers: Orphanet 145, MedGen C0677776, MeSH D061325, MONDO:0003582. Disease mechanism: loss of function.
Breast-ovarian cancer, familial, susceptibility to, 2 (BROVCA2). Also called: BRCA2 Hereditary Breast and Ovarian Cancer. Identifiers: Orphanet 145, MedGen C2675520, MONDO:0012933, OMIM 612555. Disease mechanism: loss of function.

Allele frequency attached by ClinVar (database versions not stated): gnomAD exomes below 0.00001 and 0.00001; gnomAD 0.00001; TOPMed 0.00001.
gnomAD v4.1: 10 of 1,595,412 alleles (0.00063%); highest among the groups gnomAD compares: East Asian, 0.0045%; no homozygotes.

Submissions (13):

Labcorp Genetics (formerly Invitae), Labcorp
Classification: Uncertain significance for Hereditary breast ovarian cancer syndrome. Last evaluated: 2026-01-25. Review status: criteria provided, single submitter. Criteria: Invitae Variant Classification Sherloc (09022015). Collection method: clinical testing. Allele origin: germline.
Comment: This sequence change replaces alanine, which is neutral and non-polar, with threonine, which is neutral and polar, at codon 1439 of the BRCA2 protein (p.Ala1439Thr). This variant is present in population databases (rs80358666, gnomAD 0.006%). This missense change has been observed in individual(s) with a personal and/or family history of breast and/or ovarian cancer (PMID: 31825140). ClinVar contains an entry for this variant (Variation ID: 51630). Invitae Evidence Modeling of protein sequence and biophysical properties (such as structural, functional, and spatial information, amino acid conservation, physicochemical variation, residue mobility, and thermodynamic stability) indicates that this missense variant is not expected to disrupt BRCA2 protein function with a negative predictive value of 95%. In summary, the available evidence is currently insufficient to determine the role of this variant in disease. Therefore, it has been classified as a Variant of Uncertain Significance.

Color Diagnostics, LLC DBA Color Health
Classification: Uncertain significance for Hereditary cancer-predisposing syndrome. Last evaluated: 2025-07-10. Review status: criteria provided, single submitter. Criteria: ACMG Guidelines, 2015. Collection method: clinical testing. Allele origin: germline.
Comment: This missense variant replaces alanine with threonine at codon 1439 of the BRCA2 protein. Computational prediction suggests that this variant may not impact protein structure and function. To our knowledge, functional studies have not been reported for this variant. This variant has been reported in an esophageal squamous cell carcinoma case-control study in 3/2121 cases and 4/1168 unaffected control individuals (PMID: 31396961). Multifactorial analysis has reached a combined likelihood ratio (LR) of 1.165 based on reported LR for co-occurrence with a pathogenic variant and family history (PMID: 31131967). This variant has been identified in 1/242866 chromosomes in the general population by the Genome Aggregation Database (gnomAD). The available evidence is insufficient to determine the role of this variant in disease conclusively. Therefore, this variant is classified as a Variant of Uncertain Significance.

All of Us Research Program, National Institutes of Health
Classification: Uncertain significance for BRCA2-related cancer predisposition. Last evaluated: 2024-09-23. Review status: criteria provided, single submitter. Criteria: ACMG Guidelines, 2015. Collection method: clinical testing. Allele origin: germline. Inheritance: Autosomal dominant inheritance. Observed: 4 variant alleles, 4 heterozygotes.
Comment: This missense variant replaces alanine with threonine at codon 1439 of the BRCA2 protein. Computational prediction suggests that this variant may not impact protein structure and function (internally defined REVEL score threshold <= 0.5, PMID: 27666373). To our knowledge, functional studies have not been reported for this variant. This variant has been reported in an individual with a personal or family history of breast and/or ovarian cancer (PMID: 31825140). This variant has been identified in 1/242866 chromosomes in the general population by the Genome Aggregation Database (gnomAD). The available evidence is insufficient to determine the role of this variant in disease conclusively. Therefore, this variant is classified as a Variant of Uncertain Significance.

This study involves interpretation of variants in research participants for the purpose of population health screening. Participant phenotype was not available at the time of variant classification. Additional details can be found in publication PMID: 35346344, PMCID: PMC8962531

Blueprint Genetics
Classification: Likely benign. Last evaluated: 2024-03-07. Review status: criteria provided, single submitter. Criteria: ACMG Guidelines, 2015. Collection method: clinical testing. Allele origin: germline.

German Consortium for Hereditary Breast and Ovarian Cancer, University Hospital Cologne
Classification: Likely benign for Hereditary breast ovarian cancer syndrome. Last evaluated: 2024-01-05. Review status: criteria provided, single submitter. Criteria: ClinGen BRCA2 V1.0.0. Collection method: curation. Allele origin: germline.
Comment: . According to the ClinGen ENIGMA BRCA2 v1.0.0 criteria we chose this criterium: BP1 (strong benign): BP1_Strong for silent substitution, missense or in-frame insertion, deletion or delins variants outside a (potentially) clinically important functional domain AND no splicing predicted (spliceAI: BRCA2: 0.0)

Quest Diagnostics Nichols Institute San Juan Capistrano
Classification: Uncertain significance. Last evaluated: 2023-07-25. Review status: criteria provided, single submitter. Criteria: Quest Diagnostics criteria. Collection method: clinical testing. Allele origin: unknown.
Comment: In the published literature, this variant has been reported in gastric cancer (PMID: 25583476 (2015)) and esophageal squamous cell carcinoma (ESCC) (PMID: 31396961 (2020)). This variant has also been reported in unaffected individuals (PMID: 32467295 (2020), 36243179 (2022)). The frequency of this variant in the general population, 0.0000041 (1/242866 chromosomes (Genome Aggregation Database)), is uninformative in the assessment of its pathogenicity. Analysis of this variant using bioinformatics tools for the prediction of the effect of amino acid changes on protein structure and function yielded predictions that this variant is benign. Based on the available information, we are unable to determine the clinical significance of this variant.

University of Washington Department of Laboratory Medicine, University of Washington
Classification: Likely benign for Hereditary cancer-predisposing syndrome. Last evaluated: 2023-03-23. Review status: criteria provided, single submitter. Criteria: Dines et al. (Genet Med. 2020). Collection method: curation. Allele origin: germline.
Comment: Missense variant in a coldspot region where missense variants are very unlikely to be pathogenic (PMID:31911673).

BRCA2 exon 11 coldspot. Reclassification based on statistical prior probability.

St. Jude Molecular Pathology, St. Jude Children's Research Hospital
Classification: Uncertain significance for Breast-ovarian cancer, familial, susceptibility to, 2. Last evaluated: 2022-07-12. Review status: criteria provided, single submitter. Criteria: St. Jude Assertion Criteria 2020. Collection method: clinical testing. Allele origin: germline.
Comment: The BRCA2 c.4315G>A (p.Ala1439Thr) missense change has a maximum subpopulation frequency of 0.0055% in gnomAD v2.1.1. This variant has been reported in at least one individual with a personal and/or family history of breast and/or ovarian cancer (PMID: 31825140), as well as in control individuals without a personal history of cancer (PMID: 32467295). The in silico tool REVEL predicts a benign effect on protein function, but to our knowledge this prediction has not been confirmed by functional studies. In summary, the evidence currently available is insufficient to determine the role of this variant in hereditary breast and ovarian cancer syndrome and/or Fanconi anemia. It has therefore been classified as of uncertain significance.

GeneDx
Classification: Uncertain significance. Last evaluated: 2019-05-01. Review status: criteria provided, single submitter. Criteria: GeneDx Variant Classification Process June 2021. Collection method: clinical testing. Allele origin: germline. Affected: yes.
Comment: Not observed at a significant frequency in large population cohorts (Lek et al., 2016); Has not been previously published as pathogenic or benign to our knowledge; This variant is associated with the following publications: (PMID: 31825140, 28481359)

Ambry Genetics
Classification: Likely benign for Hereditary cancer-predisposing syndrome. Last evaluated: 2018-07-12. Review status: criteria provided, single submitter. Criteria: Ambry Variant Classification Scheme 2023. Collection method: clinical testing. Allele origin: germline.

CeGaT Center for Human Genetics Tuebingen
Classification: Uncertain significance. Last evaluated: 2017-05-01. Review status: criteria provided, single submitter. Criteria: CeGaT Center For Human Genetics Tuebingen Variant Classification Criteria Version 2. Collection method: clinical testing. Allele origin: germline. Affected: yes. Observed: 1 variant allele.

Counsyl
Classification: Uncertain significance for Breast-ovarian cancer, familial, susceptibility to, 2. Last evaluated: 2016-09-27. Review status: no assertion criteria provided. Collection method: clinical testing. Allele origin: unknown. Not counted in ClinVar's aggregate classification.

Breast Cancer Information Core (BIC) (BRCA2)
Classification: Uncertain significance for Breast-ovarian cancer, familial 2. Last evaluated: 2001-02-16. Review status: no assertion criteria provided. Collection method: clinical testing. Allele origin: germline. Affected: yes. Observed: 2 variant alleles. Not counted in ClinVar's aggregate classification.

Literature cited by the submitters: PubMed 31825140 (cited by 3 submitters); PubMed 31131967 (cited by Color Diagnostics, LLC DBA Color Health); PubMed 31396961 (cited by Color Diagnostics, LLC DBA Color Health and Quest Diagnostics Nichols Institute San Juan Capistrano); PubMed 25583476 (cited by Quest Diagnostics Nichols Institute San Juan Capistrano); PubMed 32467295 (cited by Quest Diagnostics Nichols Institute San Juan Capistrano); PubMed 36243179 (cited by Quest Diagnostics Nichols Institute San Juan Capistrano); PubMed 31911673 (cited by Quest Diagnostics Nichols Institute San Juan Capistrano).